The following is an entry in ClinVar:

NM_006947.4(SRP72):c.1017A>C (p.Leu339Phe)

Gene: SRP72 (signal recognition particle 72; plus strand). Cytogenetic location: 4q12.
Variant type: single nucleotide variant.
Coding change: c.1017A>C on transcript NM_006947.4 (MANE Select); coding-DNA position 1017, A replaced by C.
Protein change: p.Leu339Phe; replaces leucine 339 with phenylalanine.
Molecular consequence: missense variant. On other transcripts: non-coding transcript variant (1).
Genome position (GRCh38, 1-based): chr4:56,484,795, A>C. VCF-style: chr4-56484795-A-C. GRCh37 (hg19) VCF-style: chr4-57350961-A-C.
Other names: c.834A>C, p.Leu278Phe (NM_001267722.2); short protein forms L278F, L339F.
Identifiers: ClinVar variation 4174918 (VCV004174918.1).

ClinVar aggregate classification (germline): Uncertain significance (1 of 4 stars; one submission).

gnomAD v4.1: 5 of 1,614,142 alleles (0.00031%); highest among the groups gnomAD compares: Non-Finnish European, 0.00042%; no homozygotes.

Submission:

Ambry Genetics
Classification: Uncertain significance. Last evaluated: 2025-07-03. Review status: criteria provided, single submitter. Criteria: Ambry Variant Classification Scheme 2023. Collection method: clinical testing. Allele origin: germline.
Comment: The p.L339F variant (also known as c.1017A>C), located in coding exon 10 of the SRP72 gene, results from an A to C substitution at nucleotide position 1017. The leucine at codon 339 is replaced by phenylalanine, an amino acid with highly similar properties. This amino acid position is conserved. In addition, this alteration is predicted to be tolerated by in silico analysis. Based on the available evidence, the clinical significance of this variant remains unclear.